The following is an entry in ClinVar:

NM_139057.4(ADAMTS17):c.434G>A (p.Gly145Asp)

Gene: ADAMTS17 (ADAM metallopeptidase with thrombospondin type 1 motif 17; minus strand). Cytogenetic location: 15q26.3.
Variant type: single nucleotide variant.
Coding change: c.434G>A on transcript NM_139057.4 (MANE Select); coding-DNA position 434, G replaced by A.
Protein change: p.Gly145Asp; replaces glycine 145 with aspartic acid.
Molecular consequence: missense variant.
Genome position (GRCh38, 1-based): chr15:100,341,055, C>T on the plus strand (G>A on the coding strand, the complement: ADAMTS17 is on the minus strand). VCF-style: chr15-100341055-C-T. GRCh37 (hg19) VCF-style: chr15-100881260-C-T.
Other names: short protein forms G145D.
Identifiers: ClinVar variation 1490105 (VCV001490105.6), dbSNP rs2046349361, ClinGen allele CA394524534.

ClinVar aggregate classification (germline): Uncertain significance (1 of 4 stars; one submission).

Allele frequency attached by ClinVar (database versions not stated): gnomAD 0.00001; TOPMed 0.00001.
gnomAD v4.1: 18 of 1,523,798 alleles (0.0012%); highest among the groups gnomAD compares: Non-Finnish European, 0.0016%; no homozygotes.

Submission:

Labcorp Genetics (formerly Invitae), Labcorp
Classification: Uncertain significance. Last evaluated: 2021-12-12. Review status: criteria provided, single submitter. Criteria: Invitae Variant Classification Sherloc (09022015). Collection method: clinical testing. Allele origin: germline.
Comment: This sequence change replaces glycine, which is neutral and non-polar, with aspartic acid, which is acidic and polar, at codon 145 of the ADAMTS17 protein (p.Gly145Asp). In summary, the available evidence is currently insufficient to determine the role of this variant in disease. Therefore, it has been classified as a Variant of Uncertain Significance. Algorithms developed to predict the effect of missense changes on protein structure and function are either unavailable or do not agree on the potential impact of this missense change (SIFT: "Not Available"; PolyPhen-2: "Possibly Damaging"; Align-GVGD: "Not Available"). This variant has not been reported in the literature in individuals affected with ADAMTS17-related conditions. This variant is not present in population databases (gnomAD no frequency).